The following is an entry in ClinVar:

ClinVar aggregate classification (germline): Uncertain significance. Review status: criteria provided, multiple submitters, no conflicts (2 of 4 stars). 4 submissions from 4 submitters: Uncertain significance (4). Last evaluated 2025-10-20.

Conditions:
CHEK2-related cancer predisposition (TPDS4). Also called: CHEK2-related cancer susceptibility; TUMOR PREDISPOSITION SYNDROME 4; CANCER PREDISPOSITION SYNDROME, CHEK2-RELATED. Identifiers: Orphanet 524, MedGen C5882668, MONDO:0700271, OMIM 609265.
Familial prostate cancer. Also called: Hereditary Prostate Cancer. Identifiers: MedGen C2931456, MONDO:0700275, OMIM 176807.
Bone osteosarcoma. Also called: Osteosarcoma, somatic. Identifiers: Orphanet 668, MedGen C0585442, MONDO:0002629, OMIM 259500.
Hereditary cancer-predisposing syndrome. Also called: Hereditary Cancer Syndrome; Neoplastic Syndromes, Hereditary; Tumor predisposition; Hereditary neoplastic syndrome. Identifiers: Orphanet 140162, MedGen C0027672, MeSH D009386, MONDO:0015356.
Familial cancer of breast. Also called: Hereditary breast cancer; hereditary breast carcinoma; BREAST CANCER, FAMILIAL. Identifiers: Orphanet 227535, MedGen C0346153, MONDO:0016419, OMIM 114480. Disease mechanism: loss of function.

Submissions (4):

Ambry Genetics
Classification: Uncertain significance for Hereditary cancer-predisposing syndrome. Last evaluated: 2025-10-20. Review status: criteria provided, single submitter. Criteria: Ambry Variant Classification Scheme 2023. Collection method: clinical testing. Allele origin: germline.
Comment: The c.319+5G>T intronic variant results from a G to T substitution 5 nucleotides after coding exon 1 in the CHEK2 gene. This nucleotide position is highly conserved in available vertebrate species. In silico splice site analysis predicts that this alteration will not have any significant effect on splicing. One RNA minigene study demonstrated that this alteration results in an incomplete splice defect; the clinical impact of this abnormal splicing is unknown at this time (Sanoguera-Miralles L et al. Clin Chem, 2024 Jan;70:319-338). Based on the available evidence, the clinical significance of this variant remains unclear.

Labcorp Genetics (formerly Invitae), Labcorp
Classification: Uncertain significance for Familial cancer of breast. Last evaluated: 2025-01-29. Review status: criteria provided, single submitter. Criteria: Invitae Variant Classification Sherloc (09022015). Collection method: clinical testing. Allele origin: germline.
Comment: This sequence change falls in intron 2 of the CHEK2 gene. It does not directly change the encoded amino acid sequence of the CHEK2 protein. It affects a nucleotide within the consensus splice site. This variant is not present in population databases (gnomAD no frequency). This variant has not been reported in the literature in individuals affected with CHEK2-related conditions. ClinVar contains an entry for this variant (Variation ID: 182448). Variants that disrupt the consensus splice site are a relatively common cause of aberrant splicing (PMID: 17576681, 9536098). Algorithms developed to predict the effect of sequence changes on RNA splicing suggest that this variant is not likely to affect RNA splicing. In summary, the available evidence is currently insufficient to determine the role of this variant in disease. Therefore, it has been classified as a Variant of Uncertain Significance.

Fulgent Genetics
Classification: Uncertain significance for Familial prostate cancer; Bone osteosarcoma; CHEK2-related cancer predisposition. Last evaluated: 2024-04-18. Review status: criteria provided, single submitter. Criteria: ACMG Guidelines, 2015. Collection method: clinical testing. Allele origin: germline.

GeneDx
Classification: Uncertain significance. Last evaluated: 2023-09-25. Review status: criteria provided, single submitter. Criteria: GeneDx Variant Classification Process June 2021. Collection method: clinical testing. Allele origin: germline. Affected: yes.
Comment: Not observed at significant frequency in large population cohorts (gnomAD); Minigene assays demonstrate an incomplete splice defect resulting in multiple aberrant transcripts as well as some full-length transcript (Sanoguera-Miralles et al., 2023); In silico analysis supports that this variant does not alter splicing; This variant is associated with the following publications: (PMID: 37725924)

Literature cited by the submitters: PubMed 37725924 (cited by Ambry Genetics); PubMed 17576681 (cited by Labcorp Genetics (formerly Invitae), Labcorp); PubMed 9536098 (cited by Labcorp Genetics (formerly Invitae), Labcorp).

NM_007194.4(CHEK2):c.319+5G>T

Gene: CHEK2 (checkpoint kinase 2; minus strand). Cytogenetic location: 22q12.1.
Variant type: single nucleotide variant.
Coding change: c.319+5G>T on transcript NM_007194.4 (MANE Select); 5 bases into the intron after coding-DNA position 319, G replaced by T.
Molecular consequence: intron variant.
Genome position (GRCh38, 1-based): chr22:28,734,398, C>A on the plus strand (G>T on the coding strand, the complement: CHEK2 is on the minus strand). VCF-style: chr22-28734398-C-A. GRCh37 (hg19) VCF-style: chr22-29130386-C-A.
Other names: c.-345+7371G>T (NM_001437942.1); c.319+5G>T (NM_001349956.3, NM_145862.3, NM_001438295.1 and 3 more transcripts); c.-459+5G>T (NM_001257387.3).
Identifiers: ClinVar variation 182448 (VCV000182448.13), dbSNP rs730881698, ClinGen allele CA299107.
Genomic context (GRCh38, chr22:28,734,398, plus strand): 5'-GTAATACAACTTTCTGTAAGTGTTTTTCTGAACAAAACGTGATACTATACAACAAAGGGT[C>A]TTACCAAGATTGGCAAATCCATCCTGAAGGGCCCATAATCGAGCCCAGGGGGCAGGGGTA-3'